The following is an entry in ClinVar:

NM_006767.4(LZTR1):c.1419G>C (p.Lys473Asn)

Gene: LZTR1 (leucine zipper like post translational regulator 1; plus strand). Cytogenetic location: 22q11.21.
Variant type: single nucleotide variant.
Coding change: c.1419G>C on transcript NM_006767.4 (MANE Select); coding-DNA position 1419, G replaced by C.
Protein change: p.Lys473Asn; replaces lysine 473 with asparagine.
Molecular consequence: missense variant.
Genome position (GRCh38, 1-based): chr22:20,993,989, G>C. VCF-style: chr22-20993989-G-C. GRCh37 (hg19) VCF-style: chr22-21348278-G-C.
Other names: short protein forms K473N.
Identifiers: ClinVar variation 3238078 (VCV003238078.1), dbSNP rs1456950222.

ClinVar aggregate classification (germline): Uncertain significance (1 of 4 stars; one submission).

Conditions:
Hereditary cancer-predisposing syndrome. Also called: Neoplastic Syndromes, Hereditary; Tumor predisposition; Hereditary neoplastic syndrome; Hereditary Cancer Syndrome. Identifiers: Orphanet 140162, MedGen C0027672, MeSH D009386, MONDO:0015356.
Cardiovascular phenotype. Identifiers: MedGen CN230736.

Submission:

Ambry Genetics
Classification: Uncertain significance for Cardiovascular phenotype; Hereditary cancer-predisposing syndrome. Last evaluated: 2023-11-16. Review status: criteria provided, single submitter. Criteria: Ambry Variant Classification Scheme 2023. Collection method: clinical testing. Allele origin: germline.
Comment: The p.K473N variant (also known as c.1419G>C), located in coding exon 13 of the LZTR1 gene, results from a G to C substitution at nucleotide position 1419. The lysine at codon 473 is replaced by asparagine, an amino acid with similar properties. This amino acid position is conserved. In addition, this alteration is predicted to be tolerated by in silico analysis. Since supporting evidence is limited at this time, the clinical significance of this alteration remains unclear.